The following is an entry in ClinVar:

ClinVar aggregate classification (germline): Uncertain significance (1 of 4 stars; one submission).

Conditions:
Retinoblastoma (RB1). Also called: RETINOBLASTOMA, SOMATIC. Identifiers: Orphanet 790, MedGen C0035335, MeSH D012175, MONDO:0008380, OMIM 180200, HP:0009919. Disease mechanism: loss of function. Inheritance: Both sporadic and heritable forms are tested..

gnomAD v4.1: 1 of 1,471,828 alleles (0.000068%); highest among the groups gnomAD compares: Non-Finnish European, 0.00009%; no homozygotes.

Submission:

Labcorp Genetics (formerly Invitae), Labcorp
Classification: Uncertain significance for Retinoblastoma. Last evaluated: 2025-09-28. Review status: criteria provided, single submitter. Criteria: Invitae Variant Classification Sherloc (09022015). Collection method: clinical testing. Allele origin: germline.
Comment: This variant occurs in a non-coding region of the RB1 gene. It does not change the encoded amino acid sequence of the RB1 protein. This variant is not present in population databases (gnomAD no frequency). This variant has not been reported in the literature in individuals affected with RB1-related conditions. In summary, the available evidence is currently insufficient to determine the role of this variant in disease. Therefore, it has been classified as a Variant of Uncertain Significance.

NM_000321.3(RB1):c.-87G>A

Gene: RB1 (RB transcriptional corepressor 1; plus strand). Cytogenetic location: 13q14.2.
Variant type: single nucleotide variant.
Coding change: c.-87G>A on transcript NM_000321.3 (MANE Select); 87 bases upstream of the start codon, G replaced by A.
Molecular consequence: 5 prime UTR variant.
Genome position (GRCh38, 1-based): chr13:48,303,826, G>A. VCF-style: chr13-48303826-G-A. GRCh37 (hg19) VCF-style: chr13-48877962-G-A.
Other names: c.-87G>A (NM_001407165.1, NM_001407166.1, NM_001407167.1).
Identifiers: ClinVar variation 4799452 (VCV004799452.1).